The following is an entry in ClinVar:

ClinVar aggregate classification (germline): Uncertain significance (1 of 4 stars; one submission).

Submission:

Ambry Genetics
Classification: Uncertain significance. Last evaluated: 2023-06-14. Review status: criteria provided, single submitter. Criteria: Ambry Variant Classification Scheme 2023. Collection method: clinical testing. Allele origin: germline.
Comment: The p.K487R variant (also known as c.1460A>G), located in coding exon 15 of the NEBL gene, results from an A to G substitution at nucleotide position 1460. The lysine at codon 487 is replaced by arginine, an amino acid with highly similar properties. This amino acid position is conserved. In addition, this alteration is predicted to be tolerated by in silico analysis. Since supporting evidence is limited at this time, the clinical significance of this alteration remains unclear.

NM_006393.3(NEBL):c.1460A>G (p.Lys487Arg)

Gene: NEBL (nebulette; minus strand). Cytogenetic location: 10p12.31.
Variant type: single nucleotide variant.
Coding change: c.1460A>G on transcript NM_006393.3 (MANE Select); coding-DNA position 1460, A replaced by G.
Protein change: p.Lys487Arg; replaces lysine 487 with arginine.
Molecular consequence: missense variant. On other transcripts: intron variant (9).
Genome position (GRCh38, 1-based): chr10:20,831,573, T>C on the plus strand (A>G on the coding strand, the complement: NEBL is on the minus strand). VCF-style: chr10-20831573-T-C. GRCh37 (hg19) VCF-style: chr10-21120502-T-C.
Other names: c.250-18633A>G (NM_001377326.1, NM_001377327.1, NM_001377328.1); c.358-18633A>G (NM_213569.2, NM_001173484.2, NM_001377322.1); c.301-18633A>G (NM_001377324.1); c.292-18633A>G (NM_001377325.1); c.310-18633A>G (NM_001377323.1); short protein forms K487R.
Identifiers: ClinVar variation 2563753 (VCV002563753.2), dbSNP rs2130909810, ClinGen allele CA376097886.